The following is an entry in ClinVar:

ClinVar aggregate classification (germline): Conflicting classifications of pathogenicity. Review status: criteria provided, conflicting classifications (1 of 4 stars). 2 submissions from 2 submitters: Likely pathogenic (1); Uncertain significance (1). Last evaluated 2024-08-29.

Conditions:
SLC40A1-related disorder. Also called: SLC40A1-related condition.
Hemochromatosis type 4 (HFE4). Also called: Ferroportin disease; HEMOCHROMATOSIS DUE TO DEFECT IN FERROPORTIN; HEMOCHROMATOSIS, AUTOSOMAL DOMINANT. Identifiers: Orphanet 139491, Orphanet 647834, Orphanet 648562, MedGen C1853733, MONDO:0011631, OMIM 606069.

Submissions (2):

Labcorp Genetics (formerly Invitae), Labcorp
Classification: Uncertain significance for Hemochromatosis type 4. Last evaluated: 2024-08-29. Review status: criteria provided, single submitter. Criteria: Invitae Variant Classification Sherloc (09022015). Collection method: clinical testing. Allele origin: germline.
Comment: This sequence change replaces valine, which is neutral and non-polar, with isoleucine, which is neutral and non-polar, at codon 511 of the SLC40A1 protein (p.Val511Ile). This variant is not present in population databases (gnomAD no frequency). This missense change has been observed in individual(s) with clinical features of hereditary hemochromatosis (PMID: 34583728). Invitae Evidence Modeling of protein sequence and biophysical properties (such as structural, functional, and spatial information, amino acid conservation, physicochemical variation, residue mobility, and thermodynamic stability) indicates that this missense variant is not expected to disrupt SLC40A1 protein function with a negative predictive value of 80%. In summary, the available evidence is currently insufficient to determine the role of this variant in disease. Therefore, it has been classified as a Variant of Uncertain Significance.

Blueprint Genetics
Classification: Likely pathogenic for SLC40A1-related disorders. Last evaluated: 2023-04-05. Review status: criteria provided, single submitter. Criteria: ACMG Guidelines, 2015. Collection method: clinical testing. Allele origin: germline. Affected: yes. Observed: 1 variant allele.

Literature cited by the submitters: PubMed 34583728 (cited by Labcorp Genetics (formerly Invitae), Labcorp).

NM_014585.6(SLC40A1):c.1531G>A (p.Val511Ile)

Gene: SLC40A1 (solute carrier family 40 member 1; minus strand). Cytogenetic location: 2q32.2.
Variant type: single nucleotide variant.
Coding change: c.1531G>A on transcript NM_014585.6 (MANE Select); coding-DNA position 1531, G replaced by A.
Protein change: p.Val511Ile; replaces valine 511 with isoleucine.
Molecular consequence: missense variant.
Genome position (GRCh38, 1-based): chr2:189,562,063, C>T on the plus strand (G>A on the coding strand, the complement: SLC40A1 is on the minus strand). VCF-style: chr2-189562063-C-T. GRCh37 (hg19) VCF-style: chr2-190426789-C-T.
Other names: short protein forms V511I.
Identifiers: ClinVar variation 3663961 (VCV003663961.3).